The following is an entry in ClinVar:

NM_001287.6(CLCN7):c.1291C>A (p.Leu431Met)

Gene: CLCN7 (Cl-/H+ antiporter 7; minus strand). Cytogenetic location: 16p13.3.
Variant type: single nucleotide variant.
Coding change: c.1291C>A on transcript NM_001287.6 (MANE Select); coding-DNA position 1291, C replaced by A.
Protein change: p.Leu431Met; replaces leucine 431 with methionine.
Molecular consequence: missense variant.
Genome position (GRCh38, 1-based): chr16:1,452,817, G>T on the plus strand (C>A on the coding strand, the complement: CLCN7 is on the minus strand). VCF-style: chr16-1452817-G-T. GRCh37 (hg19) VCF-style: chr16-1502818-G-T.
Other names: c.1219C>A, p.Leu407Met (NM_001114331.3); c.1291C>A (NM_001287.4); short protein forms L431M, L407M.
Identifiers: ClinVar variation 3007437 (VCV003007437.4), dbSNP rs1054593112, ClinGen allele CA276675527.

ClinVar aggregate classification (germline): Uncertain significance. Review status: criteria provided, multiple submitters, no conflicts (2 of 4 stars). 2 submissions from 2 submitters: Uncertain significance (2). Last evaluated 2025-08-20.

Conditions:
Inborn genetic diseases. Identifiers: MedGen C0950123, MeSH D030342.

Allele frequency attached by ClinVar (database versions not stated): gnomAD 0.00003; TOPMed 0.00005.
gnomAD v4.1: 6 of 1,604,050 alleles (0.00037%); highest among the groups gnomAD compares: African/African-American, 0.0067%; no homozygotes.

Submissions (2):

Ambry Genetics
Classification: Uncertain significance for Inborn genetic diseases. Last evaluated: 2025-08-20. Review status: criteria provided, single submitter. Criteria: Ambry Variant Classification Scheme 2023. Collection method: clinical testing. Allele origin: germline.

Labcorp Genetics (formerly Invitae), Labcorp
Classification: Uncertain significance. Last evaluated: 2025-08-04. Review status: criteria provided, single submitter. Criteria: Invitae Variant Classification Sherloc (09022015). Collection method: clinical testing. Allele origin: germline.
Comment: This sequence change replaces leucine, which is neutral and non-polar, with methionine, which is neutral and non-polar, at codon 431 of the CLCN7 protein (p.Leu431Met). This variant is present in population databases (no rsID available, gnomAD 0.01%). This variant has not been reported in the literature in individuals affected with CLCN7-related conditions. ClinVar contains an entry for this variant (Variation ID: 3007437). An algorithm developed to predict the effect of missense changes on protein structure and function outputs the following: PolyPhen-2: "Benign". The methionine amino acid residue is found in multiple mammalian species, which suggests that this missense change does not adversely affect protein function. In summary, the available evidence is currently insufficient to determine the role of this variant in disease. Therefore, it has been classified as a Variant of Uncertain Significance.